The following is an entry in ClinVar:

NM_001042492.3(NF1):c.67del (p.Pro22_Ile23insTer)

Gene: NF1 (neurofibromin 1; plus strand). Cytogenetic location: 17q11.2.
Variant type: Deletion.
Coding change: c.67del on transcript NM_001042492.3 (MANE Select); coding-DNA position 67, one base deleted (A; older notation c.67delA).
Protein change: p.Pro22_Ile23insTer.
Molecular consequence: nonsense. On other transcripts: frameshift variant (1).
Genome position (GRCh38, 1-based): chr17:31,155,989, A deleted; the last of 2 consecutive A bases (chr17:31,155,988-31,155,989); deleting either gives the same sequence. VCF-style (leftmost placement, unchanged base first): chr17-31155987-CA-C. GRCh37 (hg19) VCF-style: chr17-29483005-CA-C.
Other names: c.67delA (NM_000267.3); c.67delA, p.Ile23Terfs (NM_000267.4); c.67del, p.Pro22_Ile23insTer (NM_001128147.3).
Identifiers: ClinVar variation 817575 (VCV000817575.2), dbSNP rs1597625799, ClinGen allele CA915949690.

ClinVar aggregate classification (germline): Pathogenic (1 of 4 stars; one submission).

Submission:

GeneDx
Classification: Pathogenic. Last evaluated: 2026-08-25. Review status: criteria provided, single submitter. Criteria: GeneDx Variant Classification Process June 2021. Collection method: clinical testing. Allele origin: germline.
Comment: Nonsense variant predicted to result in protein truncation or nonsense mediated decay in a gene for which loss of function is a known mechanism of disease; Not observed at significant frequency in large population cohorts (gnomAD); Has not been previously published as pathogenic or benign to our knowledge; This variant is associated with the following publications: (PMID: 25486365, 2121369, 22807134)